The following is an entry in ClinVar:

ClinVar aggregate classification (germline): Likely benign. Review status: criteria provided, multiple submitters, no conflicts (2 of 4 stars). 2 submissions from 2 submitters: Likely benign (2). Last evaluated 2025-07-18.

Allele frequency attached by ClinVar (database versions not stated): gnomAD 0.00027; ExAC 0.00010; ESP Exome Variant Server 0.00025.
gnomAD v4.1: 75 of 1,524,692 alleles (0.0049%); highest among the groups gnomAD compares: African/African-American, 0.11%; 13 homozygotes.

Submissions (2):

Mayo Clinic Laboratories, Mayo Clinic
Classification: Likely benign. Last evaluated: 2025-07-18. Review status: criteria provided, single submitter. Criteria: ACMG Guidelines, 2015. Collection method: clinical testing. Allele origin: germline. Observed: 1 variant allele.
Comment: BP1, BP4_moderate

Ambry Genetics
Classification: Likely benign. Last evaluated: 2021-07-13. Review status: criteria provided, single submitter. Criteria: Ambry Variant Classification Scheme 2023. Collection method: clinical testing. Allele origin: germline.

NM_002113.3(CFHR1):c.809G>A (p.Arg270Gln)

Gene: CFHR1 (complement factor H related 1; plus strand). Cytogenetic location: 1q31.3.
Variant type: single nucleotide variant.
Coding change: c.809G>A on transcript NM_002113.3 (MANE Select); coding-DNA position 809, G replaced by A.
Protein change: p.Arg270Gln; replaces arginine 270 with glutamine.
Molecular consequence: missense variant.
Genome position (GRCh38, 1-based): chr1:196,831,815, G>A. VCF-style: chr1-196831815-G-A. GRCh37 (hg19) VCF-style: chr1-196800945-G-A.
Other names: p.Arg270Gln; c.758G>A, p.Arg253Gln (NM_001379306.1); c.647G>A, p.Arg216Gln (NM_001379307.1); c.644G>A, p.Arg215Gln (NM_001379308.1); c.641G>A, p.Arg214Gln (NM_001379309.1); c.614G>A, p.Arg205Gln (NM_001379310.1); c.605G>A, p.Arg202Gln (NM_001379311.1); c.566G>A, p.Arg189Gln (NM_001379312.1); short protein forms R205Q, R215Q, R214Q, R216Q, R253Q, R189Q, R202Q, R270Q.
Identifiers: ClinVar variation 2397573 (VCV002397573.3), dbSNP rs368662175, ClinGen allele CA1306608.